The following is an entry in ClinVar:

NM_006231.4(POLE):c.378C>A (p.Gly126=)

Gene: POLE (DNA polymerase epsilon, catalytic subunit; minus strand). Cytogenetic location: 12q24.33.
Variant type: single nucleotide variant.
Coding change: c.378C>A on transcript NM_006231.4 (MANE Select); coding-DNA position 378, C replaced by A.
Protein change: p.Gly126=; no amino-acid change (glycine 126 retained).
Molecular consequence: synonymous variant.
Genome position (GRCh38, 1-based): chr12:132,679,999, G>T on the plus strand (C>A on the coding strand, the complement: POLE is on the minus strand). VCF-style: chr12-132679999-G-T. GRCh37 (hg19) VCF-style: chr12-133256585-G-T.
Identifiers: ClinVar variation 381558 (VCV000381558.24), dbSNP rs374163231, ClinGen allele CA6894338.

ClinVar aggregate classification (germline): Likely benign. Review status: criteria provided, multiple submitters, no conflicts (2 of 4 stars). 7 submissions from 7 submitters: Likely benign (6). 1 of the submissions does not count toward it. Last evaluated 2026-01-16.

Conditions:
POLE-related disorder. Also called: POLE-related disorders; POLE-related condition.
Hereditary cancer-predisposing syndrome. Also called: Tumor predisposition; Neoplastic Syndromes, Hereditary; Hereditary neoplastic syndrome; Hereditary Cancer Syndrome. Identifiers: Orphanet 140162, MedGen C0027672, MeSH D009386, MONDO:0015356.
Intrauterine growth retardation, metaphyseal dysplasia, adrenal hypoplasia congenita, genital anomalies, and immunodeficiency. Also called: IMAGEI SYNDROME. Identifiers: MedGen C5193036, MONDO:0032684, OMIM 618336.
Facial dysmorphism-immunodeficiency-livedo-short stature syndrome. Also called: Facial dysmorphism, immunodeficiency, livedo, and short stature; FILS syndrome. Identifiers: Orphanet 352712, MedGen C3554576, MONDO:0014058, OMIM 615139.
Colorectal cancer, susceptibility to, 12 (CRCS12). Also called: COLORECTAL CANCER, SUSCEPTIBILITY TO, ON CHROMOSOME 12q24. Identifiers: Orphanet 220460, MedGen C3554460, MONDO:0014038, OMIM 615083.

Allele frequency attached by ClinVar (database versions not stated): gnomAD exomes 0.00001 and 0.00003; ExAC 0.00002; TOPMed 0.00003; gnomAD 0.00004 and 0.00007; ESP Exome Variant Server 0.00008; 1000 Genomes Project 30x 0.00062; 1000 Genomes Project 0.00080.
gnomAD v4.1: 22 of 1,614,048 alleles (0.0014%); highest among the groups gnomAD compares: East Asian, 0.022%; no homozygotes.

Submissions (7):

Labcorp Genetics (formerly Invitae), Labcorp
Classification: Likely benign. Last evaluated: 2026-01-16. Review status: criteria provided, single submitter. Criteria: Invitae Variant Classification Sherloc (09022015). Collection method: clinical testing. Allele origin: germline.

Center for Genomic Medicine, Rigshospitalet, Copenhagen University Hospital
Classification: Likely benign. Last evaluated: 2025-12-29. Review status: criteria provided, single submitter. Criteria: ACMG Guidelines, 2015. Collection method: clinical testing. Allele origin: germline.

Blueprint Genetics
Classification: Likely benign. Last evaluated: 2024-09-10. Review status: criteria provided, single submitter. Criteria: ACMG Guidelines, 2015. Collection method: clinical testing. Allele origin: germline.

GeneDx
Classification: Likely benign. Last evaluated: 2020-12-24. Review status: criteria provided, single submitter. Criteria: GeneDx Variant Classification Process June 2021. Collection method: clinical testing. Allele origin: germline. Affected: yes.

Department of Pathology and Laboratory Medicine, Sinai Health System
Classification: Likely benign for Colorectal cancer, susceptibility to, 12; Facial dysmorphism-immunodeficiency-livedo-short stature syndrome; Intrauterine growth retardation, metaphyseal dysplasia, adrenal hypoplasia congenita, genital anomalies, and immunodeficiency. Last evaluated: 2020-03-19. Review status: criteria provided, single submitter. Criteria: ACMG Guidelines, 2015. Collection method: clinical testing. Allele origin: germline. Affected: no.

Ambry Genetics
Classification: Likely benign for Hereditary cancer-predisposing syndrome. Last evaluated: 2015-07-17. Review status: criteria provided, single submitter. Criteria: Ambry Variant Classification Scheme 2023. Collection method: clinical testing. Allele origin: germline.

PreventionGenetics, part of Exact Sciences
Classification: Likely benign for POLE-related condition. Last evaluated: 2019-05-24. Review status: no assertion criteria provided. Collection method: clinical testing. Allele origin: germline. Not counted in ClinVar's aggregate classification.
Comment: This variant is classified as likely benign based on ACMG/AMP sequence variant interpretation guidelines (Richards et al. 2015 PMID: 25741868, with internal and published modifications).